The following is an entry in ClinVar:

ClinVar aggregate classification (germline): Uncertain significance (1 of 4 stars; one submission).

Conditions:
Cardiovascular phenotype. Identifiers: MedGen CN230736.

Allele frequency attached by ClinVar (database versions not stated): gnomAD 0.00001; TOPMed 0.00002.
gnomAD v4.1: 3 of 1,569,484 alleles (0.00019%); highest among the groups gnomAD compares: Non-Finnish European, 0.00026%; no homozygotes.

Submission:

Ambry Genetics
Classification: Uncertain significance for Cardiovascular phenotype. Last evaluated: 2023-09-18. Review status: criteria provided, single submitter. Criteria: Ambry Variant Classification Scheme 2023. Collection method: clinical testing. Allele origin: germline.
Comment: The p.L1304F variant (also known as c.3910C>T), located in coding exon 6 of the ALPK3 gene, results from a C to T substitution at nucleotide position 3910. The leucine at codon 1304 is replaced by phenylalanine, an amino acid with highly similar properties. This amino acid position is conserved. In addition, this alteration is predicted to be tolerated by in silico analysis. Since supporting evidence is limited at this time, the clinical significance of this alteration remains unclear.

NM_020778.5(ALPK3):c.3304C>T (p.Leu1102Phe)

Gene: ALPK3 (alpha kinase 3; plus strand). Cytogenetic location: 15q25.3.
Variant type: single nucleotide variant.
Coding change: c.3304C>T on transcript NM_020778.5 (MANE Select); coding-DNA position 3304, C replaced by T.
Protein change: p.Leu1102Phe; replaces leucine 1102 with phenylalanine.
Molecular consequence: missense variant.
Genome position (GRCh38, 1-based): chr15:84,858,042, C>T. VCF-style: chr15-84858042-C-T. GRCh37 (hg19) VCF-style: chr15-85401273-C-T.
Other names: short protein forms L1102F.
Identifiers: ClinVar variation 3227477 (VCV003227477.1), dbSNP rs901021667, ClinGen allele CA273625328.